The following is an entry in ClinVar:

ClinVar aggregate classification (germline): Likely benign. Review status: criteria provided, multiple submitters, no conflicts (2 of 4 stars). 4 submissions from 4 submitters: Likely benign (3). 1 of the submissions does not count toward it. Last evaluated 2026-09-01.

Conditions:
Usher syndrome type 2A. Also called: RETINAL DISEASE IN USHER SYNDROME TYPE IIA, MODIFIER OF; USHER SYNDROME, TYPE IIA. Identifiers: Orphanet 231178, Orphanet 886, MedGen C1848634, MONDO:0010169, OMIM 276901.
USH2A-related disorder. Also called: USH2A-related condition; USH2A-related disorders. Identifiers: MedGen CN239332.

Allele frequency attached by ClinVar (database versions not stated): ExAC 0.00005; gnomAD exomes 0.00005; TOPMed 0.00007; gnomAD 0.00010; ESP Exome Variant Server 0.00015.
gnomAD v4.1: 104 of 1,613,740 alleles (0.0064%); highest among the groups gnomAD compares: Admixed American, 0.0083%; no homozygotes.

Submissions (4):

PreventionGenetics, part of Exact Sciences
Classification: Likely benign for USH2A-related condition. Last evaluated: 2026-09-01. Review status: criteria provided, single submitter. Criteria: ACMG Guidelines, 2015. Collection method: clinical testing. Allele origin: germline.
Comment: This variant is classified as likely benign based on ACMG/AMP sequence variant interpretation guidelines (Richards et al. 2015 PMID: 25741868, with internal and published modifications).

Labcorp Genetics (formerly Invitae), Labcorp
Classification: Likely benign. Last evaluated: 2026-01-08. Review status: criteria provided, single submitter. Criteria: Invitae Variant Classification Sherloc (09022015). Collection method: clinical testing. Allele origin: germline.

Blueprint Genetics
Classification: Likely benign. Last evaluated: 2024-01-17. Review status: criteria provided, single submitter. Criteria: ACMG Guidelines, 2015. Collection method: clinical testing. Allele origin: germline.

Natera, Inc.
Classification: Likely benign for Usher syndrome type 2A. Last evaluated: 2020-05-01. Review status: no assertion criteria provided. Collection method: clinical testing. Allele origin: germline. Not counted in ClinVar's aggregate classification.

NM_206933.4(USH2A):c.14892C>T (p.Tyr4964=)

Gene: USH2A (usherin; minus strand). Cytogenetic location: 1q41.
Variant type: single nucleotide variant.
Coding change: c.14892C>T on transcript NM_206933.4 (MANE Select); coding-DNA position 14892, C replaced by T.
Protein change: p.Tyr4964=; no amino-acid change (tyrosine 4964 retained).
Molecular consequence: synonymous variant.
Genome position (GRCh38, 1-based): chr1:215,640,634, G>A on the plus strand (C>T on the coding strand, the complement: USH2A is on the minus strand). VCF-style: chr1-215640634-G-A. GRCh37 (hg19) VCF-style: chr1-215813976-G-A.
Identifiers: ClinVar variation 730187 (VCV000730187.12), dbSNP rs149877542, ClinGen allele CA1392898.